The following is an entry in ClinVar:

NM_001267550.2(TTN):c.99966G>T (p.Trp33322Cys)

Genes: TTN (titin; minus strand), TTN-AS1 (TTN antisense RNA 1; plus strand), LOC126806420 (BRD4-independent group 4 enhancer GRCh37_chr2:179401104-179402303; plus strand). Cytogenetic location: 2q31.2.
Variant type: single nucleotide variant.
Coding change: c.99966G>T on transcript NM_001267550.2 (MANE Select); coding-DNA position 99966, G replaced by T.
Protein change: p.Trp33322Cys; replaces tryptophan 33322 with cysteine.
Molecular consequence: missense variant.
Genome position (GRCh38, 1-based): chr2:178,537,143, C>A on the plus strand (G>T on the coding strand, the complement: TTN is on the minus strand). VCF-style: chr2-178537143-C-A. GRCh37 (hg19) VCF-style: chr2-179401870-C-A.
Other names: p.Trp30754Cys; c.99966G>T (NM_001267550.1); c.95043G>T, p.Trp31681Cys (NM_001256850.1); c.72771G>T, p.Trp24257Cys (NM_003319.4); c.92262G>T, p.Trp30754Cys (NM_133378.4); c.73146G>T, p.Trp24382Cys (NM_133432.3); c.73347G>T, p.Trp24449Cys (NM_133437.4); short protein forms W33322C, W30754C, W24257C, W24382C, W31681C, W24449C.
Identifiers: ClinVar variation 332704 (VCV000332704.44), dbSNP rs775769503, ClinGen allele CA1986096.

ClinVar aggregate classification (germline): Conflicting classifications of pathogenicity. Review status: criteria provided, conflicting classifications (1 of 4 stars). 18 submissions from 14 submitters: Uncertain significance (10); Benign (1); Likely benign (5). 2 of the submissions do not count toward it. Last evaluated 2026-01-18.

Conditions:
Early-onset myopathy with fatal cardiomyopathy (CMYO5). Also called: CONGENITAL MYOPATHY 5 WITH CARDIOMYOPATHY; Salih Myopathy. Identifiers: Orphanet 289377, MedGen C2673677, MONDO:0012714, OMIM 611705. Disease mechanism: loss of function.
Cardiovascular phenotype. Identifiers: MedGen CN230736.
Tibial muscular dystrophy (TMD). Also called: Udd Distal Myopathy – Tibial Muscular Dystrophy; UDD MYOPATHY; Tibial muscular dystrophy, tardive. Identifiers: Orphanet 609, MedGen C1838244, MONDO:0010870, OMIM 600334.
Myopathy, myofibrillar, 9, with early respiratory failure (MFM9). Also called: Myopathy, distal, with early respiratory failure, autosomal dominant; EDSTROM MYOPATHY; Hereditary myopathy with early respiratory failure; MYOPATHY, PROXIMAL, WITH EARLY RESPIRATORY MUSCLE INVOLVEMENT. Identifiers: Orphanet 178464, Orphanet 34521, MedGen C1863599, MONDO:0011362, OMIM 603689.
TTN-related disorder. Also called: TTN-related condition; TTN-related disease; TTN-related disorders.
Autosomal recessive limb-girdle muscular dystrophy type 2J (LGMDR10). Also called: MUSCULAR DYSTROPHY, LIMB-GIRDLE, AUTOSOMAL RECESSIVE 10; Limb-girdle muscular dystrophy, type 2J. Identifiers: Orphanet 140922, MedGen C1837342, MONDO:0012127, OMIM 608807.
Dilated cardiomyopathy 1G (CMD1G). Identifiers: Orphanet 154, MedGen C1858763, MONDO:0011400, OMIM 604145.

Allele frequency attached by ClinVar (database versions not stated): ExAC 0.00004; TOPMed 0.00008; gnomAD exomes 0.00012.
gnomAD v4.1: 176 of 1,613,474 alleles (0.011%); highest among the groups gnomAD compares: Middle Eastern, 0.082%; 2 homozygotes.

Submissions (18):

PreventionGenetics, part of Exact Sciences
Classification: Uncertain significance for TTN-related condition. Last evaluated: 2026-01-18. Review status: criteria provided, single submitter. Criteria: ACMG Guidelines, 2015. Collection method: clinical testing. Allele origin: germline.
Comment: The TTN c.99966G>T variant is predicted to result in the amino acid substitution p.Trp33322Cys. This variant has been reported in an individual with dilated cardiomyopathy (Table S3, Mazzarotto et al. 2020. PubMed ID: 31983221). This variant is reported in 0.026% of alleles in individuals of South Asian descent in gnomAD and has conflicting interpretations regarding its pathogenicity in ClinVar, ranging from benign to uncertain. Although we suspect that this variant may be benign, at this time, the clinical significance of this variant is uncertain due to the absence of conclusive functional and genetic evidence.

Molecular Diagnostic Laboratory for Inherited Cardiovascular Disease, Montreal Heart Institute
Classification: Likely benign. Last evaluated: 2025-04-09. Review status: criteria provided, single submitter. Criteria: ACMG Guidelines, 2015. Collection method: clinical testing. Allele origin: germline. Affected: no.

Blueprint Genetics
Classification: Likely benign. Last evaluated: 2024-06-21. Review status: criteria provided, single submitter. Criteria: ACMG Guidelines, 2015. Collection method: clinical testing. Allele origin: germline.

CeGaT Center for Human Genetics Tuebingen
Classification: Likely benign. Last evaluated: 2024-05-01. Review status: criteria provided, single submitter. Criteria: CeGaT Center For Human Genetics Tuebingen Variant Classification Criteria Version 2. Collection method: clinical testing. Allele origin: germline. Affected: yes. Observed: 1 variant allele.
Comment: TTN: BS2

Mayo Clinic Laboratories, Mayo Clinic
Classification: Uncertain significance. Last evaluated: 2024-05-01. Review status: criteria provided, single submitter. Criteria: ACMG Guidelines, 2015. Collection method: clinical testing. Allele origin: germline. Observed: 1 variant allele.

Women's Health and Genetics/Laboratory Corporation of America, LabCorp
Classification: Uncertain significance. Last evaluated: 2023-03-21. Review status: criteria provided, single submitter. Criteria: LabCorp Variant Classification Summary - May 2015. Collection method: clinical testing. Allele origin: germline.
Comment: Variant summary: TTN c.92262G>T (p.Trp30754Cys) results in a non-conservative amino acid change located in the A-band region of the encoded protein sequence. Three of four in-silico tools predict a damaging effect of the variant on protein function. The variant allele was found at a frequency of 5.6e-05 in 248116 control chromosomes (gnomAD). This frequency is not higher than estimated for a pathogenic variant in TTN causing Dilated Cardiomyopathy (5.6e-05 vs 0.00039), allowing no conclusion about variant significance. c.92262G>T has been reported in the literature in individuals affected with Dilated Cardiomyopathy and also, healthy control(s) (e.g. Forleo_2017, Mazzarotto_2020). These report(s) do not provide unequivocal conclusions about association of the variant with Dilated Cardiomyopathy. To our knowledge, no experimental evidence demonstrating an impact on protein function has been reported. Three ClinVar submitters (evaluation after 2014) cite the variant as benign/likely benign and five ClinVar submitters (evaluation after 2014) cite it as uncertain significance. Based on the evidence outlined above, the variant was classified as uncertain significance.

Athena Diagnostics
Classification: Uncertain significance. Last evaluated: 2021-07-14. Review status: criteria provided, single submitter. Criteria: Athena Diagnostics Criteria. Collection method: clinical testing. Allele origin: unknown.

GeneDx
Classification: Likely benign. Last evaluated: 2019-12-02. Review status: criteria provided, single submitter. Criteria: GeneDx Variant Classification Process June 2021. Collection method: clinical testing. Allele origin: germline. Affected: yes.
Comment: This variant is associated with the following publications: (PMID: 31983221)

Revvity Omics, Revvity
Classification: Uncertain significance. Last evaluated: 2019-01-11. Review status: criteria provided, single submitter. Criteria: ACMG Guidelines, 2015. Collection method: clinical testing. Allele origin: germline.

Illumina Laboratory Services, Illumina
Classification: Likely benign for Myopathy, myofibrillar, 9, with early respiratory failure. Last evaluated: 2018-01-13. Review status: criteria provided, single submitter. Criteria: ICSL Variant Classification Criteria 13 December 2019. Collection method: clinical testing. Allele origin: germline.
Comment: This variant was observed in the ICSL laboratory as part of a predisposition screen in an ostensibly healthy population. It had not been previously curated by ICSL or reported in the Human Gene Mutation Database (HGMD: prior to June 1st, 2018), and was therefore a candidate for classification through an automated scoring system. Utilizing variant allele frequency, disease prevalence and penetrance estimates, and inheritance mode, an automated score was calculated to assess if this variant is too frequent to cause the disease. Based on the score and internal cut-off values, a variant classified as likely benign is not then subjected to further curation. The score for this variant resulted in a classification of likely benign for this disease.

Illumina Laboratory Services, Illumina
Classification: Uncertain significance for Autosomal recessive limb-girdle muscular dystrophy type 2J. Last evaluated: 2018-01-13. Review status: criteria provided, single submitter. Criteria: ICSL Variant Classification Criteria 13 December 2019. Collection method: clinical testing. Allele origin: germline.

Illumina Laboratory Services, Illumina
Classification: Uncertain significance for Early-onset myopathy with fatal cardiomyopathy. Last evaluated: 2018-01-13. Review status: criteria provided, single submitter. Criteria: ICSL Variant Classification Criteria 13 December 2019. Collection method: clinical testing. Allele origin: germline.

Illumina Laboratory Services, Illumina
Classification: Benign for Tibial muscular dystrophy. Last evaluated: 2018-01-13. Review status: criteria provided, single submitter. Criteria: ICSL Variant Classification Criteria 13 December 2019. Collection method: clinical testing. Allele origin: germline.
Comment: This variant was observed in the ICSL laboratory as part of a predisposition screen in an ostensibly healthy population. It had not been previously curated by ICSL or reported in the Human Gene Mutation Database (HGMD: prior to June 1st, 2018), and was therefore a candidate for classification through an automated scoring system. Utilizing variant allele frequency, disease prevalence and penetrance estimates, and inheritance mode, an automated score was calculated to assess if this variant is too frequent to cause the disease. Based on the score and internal cut-off values, a variant classified as benign is not then subjected to further curation. The score for this variant resulted in a classification of benign for this disease.

Illumina Laboratory Services, Illumina
Classification: Uncertain significance for Dilated cardiomyopathy 1G. Last evaluated: 2018-01-13. Review status: criteria provided, single submitter. Criteria: ICSL Variant Classification Criteria 13 December 2019. Collection method: clinical testing. Allele origin: germline.

Ambry Genetics
Classification: Uncertain significance for Cardiovascular phenotype. Last evaluated: 2017-04-21. Review status: criteria provided, single submitter. Criteria: Ambry Variant Classification Scheme 2023. Collection method: clinical testing. Allele origin: germline.
Comment: The p.W24257C variant (also known as c.72771G>T), located in coding exon 183 of the TTN gene, results from a G to T substitution at nucleotide position 72771. The tryptophan at codon 24257 is replaced by cysteine, an amino acid with highly dissimilar properties. This amino acid position is not well conserved in available vertebrate species. In addition, this alteration is predicted to be tolerated by in silico analysis. Since supporting evidence is limited at this time, the clinical significance of this alteration remains unclear.

Eurofins Ntd Llc (ga)
Classification: Uncertain significance. Last evaluated: 2017-01-19. Review status: criteria provided, single submitter. Criteria: EGL Classification Definitions 2015. Collection method: clinical testing. Allele origin: germline. Observed: 1 variant allele, 1 heterozygote.

Clinical Genetics DNA and cytogenetics Diagnostics Lab, Erasmus MC, Erasmus Medical Center
Classification: Uncertain significance. Review status: no assertion criteria provided. Collection method: clinical testing. Allele origin: germline. Affected: yes. Study: VKGL Data-share Consensus. Not counted in ClinVar's aggregate classification.

Genome Diagnostics Laboratory, University Medical Center Utrecht
Classification: Uncertain significance. Review status: no assertion criteria provided. Collection method: clinical testing. Allele origin: germline. Affected: yes. Study: VKGL Data-share Consensus. Not counted in ClinVar's aggregate classification.

Literature cited by the submitters: PubMed 28750076 (cited by Mayo Clinic Laboratories, Mayo Clinic and Women's Health and Genetics/Laboratory Corporation of America, LabCorp); PubMed 31983221 (cited by Mayo Clinic Laboratories, Mayo Clinic and Women's Health and Genetics/Laboratory Corporation of America, LabCorp); PubMed 29263846 (cited by Women's Health and Genetics/Laboratory Corporation of America, LabCorp).